The following is an entry in ClinVar:

NM_000152.5(GAA):c.1819_1836dup (p.Gly607_His612dup)

Gene: GAA (alpha glucosidase; plus strand). Cytogenetic location: 17q25.3.
Variant type: Duplication.
Coding change: c.1819_1836dup on transcript NM_000152.5 (MANE Select); coding-DNA positions 1819 to 1836, 18 bases duplicated (GGCCGATACGCCGGCCAC).
Protein change: p.Gly607_His612dup.
Molecular consequence: inframe insertion.
Genome position (GRCh38, 1-based): chr17:80,112,642-80,112,659, GGCCGATACGCCGGCCAC duplicated; duplicating any 18 consecutive bases within chr17:80,112,636-80,112,659 gives the same sequence; the c. name uses the placement nearest the transcript's 3' end. VCF-style (leftmost placement, unchanged base first): chr17-80112635-T-TGGCCACGGCCGATACGCC. GRCh37 (hg19) VCF-style: chr17-78086434-T-TGGCCACGGCCGATACGCC.
Other names: c.1819_1836dup (LRG_673t1); c.1819_1836dup, p.Gly607_His612dup (NM_001079803.3, NM_001079804.3).
Identifiers: ClinVar variation 556265 (VCV000556265.6), dbSNP rs1555601409, ClinGen allele CA658824783.
Genomic context (GRCh38, chr17:80,112,635, plus strand): 5'-CAGGGCGCTGGTGAAGGCTCGGGGGACACGCCCATTTGTGATCTCCCGCTCGACCTTTGC[T>TGGCCACGGCCGATACGCC]GGCCACGGCCGATACGCCGGCCACTGGACGGGGGACGTGTGGAGCTCCTGGGAGCAGCTC-3'

ClinVar aggregate classification (germline): Uncertain significance. Review status: reviewed by expert panel (3 of 4 stars). 2 submissions from 2 submitters: Uncertain significance (1). 1 of the submissions does not count toward it. Last evaluated 2024-06-17.

Conditions:
Glycogen storage disease, type II (IOPD). Also called: CARDIOMEGALIA GLYCOGENICA DIFFUSA; POMPE DISEASE, INFANTILE-ONSET; GLYCOGEN STORAGE DISEASE II, INFANTILE-ONSET; ACID ALPHA-GLUCOSIDASE DEFICIENCY, INFANTILE-ONSET; GAA DEFICIENCY, INFANTILE-ONSET; ACID MALTASE DEFICIENCY, INFANTILE-ONSET. Identifiers: Orphanet 365, MedGen C0017921, MONDO:0009290, OMIM 232300.

Submissions (2):

ClinGen Lysosomal Storage Disorder Variant Curation Expert Panel
Classification: Uncertain significance for Glycogen storage disease, type II. Last evaluated: 2024-06-17. Review status: reviewed by expert panel. Criteria: clingen_lsd_acmg_specifications_v2-1. Collection method: curation. Allele origin: germline. Inheritance: Autosomal recessive inheritance.
Comment: The NM_000152.5:c.1819_1836dup variant in GAA is predicted to cause a change in the length of the protein (p.Gly607_His612dup) due to an in-frame duplication of 6 amino acids in a non-repeat region (PM4). The variant is absent in gnomAD v2.1.1 (PM2_Supporting). Computational evidence is conflicting; PROVEAN predicts a deleterious impact on the protein, while Mutation Taster predicts no impact. To our knowledge, this variant has not been reported in the literature in individuals with Pompe disease, and experimental studies are not available. There is a ClinVar entry for this variant (Variation ID: 556265). In summary, this variant meets the criteria to be classified as a variant of uncertain significance for Pompe disease. GAA-specific ACMG/AMP criteria applied, as specified by the ClinGen Lysosomal Diseases VCEP: PM4, PM2_Supporting. (Classification approved by the ClinGen Lysosomal Diseases VCEP on June 17, 2024)

Counsyl
Classification: Uncertain significance for Glycogen storage disease, type II. Last evaluated: 2018-01-23. Review status: no assertion criteria provided. Collection method: clinical testing. Allele origin: unknown. Not counted in ClinVar's aggregate classification.